The following is an entry in ClinVar:

NM_004360.5(CDH1):c.595A>G (p.Thr199Ala)

Gene: CDH1 (cadherin 1; plus strand). Cytogenetic location: 16q22.1.
Variant type: single nucleotide variant.
Coding change: c.595A>G on transcript NM_004360.5 (MANE Select); coding-DNA position 595, A replaced by G.
Protein change: p.Thr199Ala; replaces threonine 199 with alanine.
Molecular consequence: missense variant. On other transcripts: 5 prime UTR variant (2).
Genome position (GRCh38, 1-based): chr16:68,808,756, A>G. VCF-style: chr16-68808756-A-G. GRCh37 (hg19) VCF-style: chr16-68842659-A-G.
Other names: c.595A>G, p.Thr199Ala (NM_001317184.2); c.-1021A>G (NM_001317185.2); c.-1225A>G (NM_001317186.2); short protein forms T199A.
Identifiers: ClinVar variation 1750714 (VCV001750714.6), dbSNP rs876658424, ClinGen allele CA396457981.

ClinVar aggregate classification (germline): Conflicting classifications of pathogenicity. Review status: criteria provided, conflicting classifications (1 of 4 stars). 2 submissions from 2 submitters: Uncertain significance (1); Likely benign (1). Last evaluated 2026-06-17.

Conditions:
Hereditary diffuse gastric adenocarcinoma (HDGC). Also called: DIFFUSE GASTRIC AND LOBULAR BREAST CANCER SYNDROME. Identifiers: Orphanet 26106, MedGen C1708349, MONDO:0007648, OMIM 137215.
Hereditary cancer-predisposing syndrome. Also called: Hereditary Cancer Syndrome; Hereditary neoplastic syndrome; Neoplastic Syndromes, Hereditary; Tumor predisposition. Identifiers: Orphanet 140162, MedGen C0027672, MeSH D009386, MONDO:0015356.

Submissions (2):

Ambry Genetics
Classification: Likely benign for Hereditary cancer-predisposing syndrome. Last evaluated: 2026-06-17. Review status: criteria provided, single submitter. Criteria: Ambry Variant Classification Scheme 2023. Collection method: clinical testing. Allele origin: germline.

Labcorp Genetics (formerly Invitae), Labcorp
Classification: Uncertain significance for Hereditary diffuse gastric adenocarcinoma. Last evaluated: 2024-01-09. Review status: criteria provided, single submitter. Criteria: Invitae Variant Classification Sherloc (09022015). Collection method: clinical testing. Allele origin: germline.
Comment: This sequence change replaces threonine, which is neutral and polar, with alanine, which is neutral and non-polar, at codon 199 of the CDH1 protein (p.Thr199Ala). This variant is not present in population databases (gnomAD no frequency). This variant has not been reported in the literature in individuals affected with CDH1-related conditions. ClinVar contains an entry for this variant (Variation ID: 1750714). Algorithms developed to predict the effect of missense changes on protein structure and function output the following: SIFT: "Not Available"; PolyPhen-2: "Benign"; Align-GVGD: "Not Available". The alanine amino acid residue is found in multiple mammalian species, which suggests that this missense change does not adversely affect protein function. In summary, the available evidence is currently insufficient to determine the role of this variant in disease. Therefore, it has been classified as a Variant of Uncertain Significance.